The following is an entry in ClinVar:

ClinVar aggregate classification (germline): Benign (1 of 4 stars; one submission).

Allele frequency attached by ClinVar (database versions not stated): 1000 Genomes Project 30x 0.35290; 1000 Genomes Project 0.35523; TOPMed 0.40590; gnomAD 0.43461 and 0.43944.
gnomAD v4.1: 65,952 of 151,946 alleles (43%); highest among the groups gnomAD compares: Non-Finnish European, 50%; 15,112 homozygotes.

Submission:

GeneDx
Classification: Benign. Last evaluated: 2018-06-14. Review status: criteria provided, single submitter. Criteria: GeneDx Variant Classification (06012015). Collection method: clinical testing. Allele origin: germline. Affected: yes.
Comment: This variant is considered likely benign or benign based on one or more of the following criteria: it is a conservative change, it occurs at a poorly conserved position in the protein, it is predicted to be benign by multiple in silico algorithms, and/or has population frequency not consistent with disease.

NM_001005373.4(LRSAM1):c.1159+246G>C

Gene: LRSAM1 (leucine rich repeat and sterile alpha motif containing 1; plus strand). Cytogenetic location: 9q33.3.
Variant type: single nucleotide variant.
Coding change: c.1159+246G>C on transcript NM_001005373.4 (MANE Select); 246 bases into the intron after coding-DNA position 1159, G replaced by C.
Molecular consequence: intron variant.
Genome position (GRCh38, 1-based): chr9:127,483,266, G>C. VCF-style: chr9-127483266-G-C. GRCh37 (hg19) VCF-style: chr9-130245545-G-C.
Other names: c.1159+246G>C (NM_138361.5, NM_001384142.1, NM_001384143.1 and 2 more transcripts); c.370+246G>C (NM_001384144.1).
Identifiers: ClinVar variation 683125 (VCV000683125.1), dbSNP rs7875862, ClinGen allele CA13000693.